The following is an entry in ClinVar:

NM_031924.8(RSPH3):c.-362A>G

Genes: RSPH3 (radial spoke head 3; minus strand), TAGAP-AS1 (TAGAP antisense RNA 1; plus strand). Cytogenetic location: 6q25.3.
Variant type: single nucleotide variant.
Coding change: c.-362A>G on transcript NM_031924.8 (MANE Select); 362 bases upstream of the start codon, A replaced by G.
Molecular consequence: 5 prime UTR variant. On other transcripts: missense variant (1), non-coding transcript variant (1).
Genome position (GRCh38, 1-based): chr6:158,999,912, T>C on the plus strand (A>G on the coding strand, the complement: RSPH3 is on the minus strand). VCF-style: chr6-158999912-T-C. GRCh37 (hg19) VCF-style: chr6-159420944-T-C.
Other names: c.65A>G, p.Tyr22Cys (NM_001346418.1); short protein forms Y22C.
Identifiers: ClinVar variation 1365420 (VCV001365420.8), dbSNP rs2114734672, ClinGen allele CA366285944.

ClinVar aggregate classification (germline): Uncertain significance (1 of 4 stars; one submission).

Conditions:
Primary ciliary dyskinesia 32. Also called: CILIARY DYSKINESIA, PRIMARY, 32, WITHOUT SITUS INVERSUS. Identifiers: Orphanet 244, MedGen C4225311, MONDO:0014657, OMIM 616481.

Submission:

Labcorp Genetics (formerly Invitae), Labcorp
Classification: Uncertain significance for Primary ciliary dyskinesia 32. Last evaluated: 2022-02-09. Review status: criteria provided, single submitter. Criteria: Invitae Variant Classification Sherloc (09022015). Collection method: clinical testing. Allele origin: germline.
Comment: Algorithms developed to predict the effect of missense changes on protein structure and function output the following: SIFT: "Tolerated"; PolyPhen-2: "Benign"; Align-GVGD: "Class C0". The cysteine amino acid residue is found in multiple mammalian species, which suggests that this missense change does not adversely affect protein function. In summary, the available evidence is currently insufficient to determine the role of this variant in disease. Therefore, it has been classified as a Variant of Uncertain Significance. This variant has not been reported in the literature in individuals affected with RSPH3-related conditions. This sequence change replaces tyrosine, which is neutral and polar, with cysteine, which is neutral and slightly polar, at codon 22 of the RSPH3 protein (p.Tyr22Cys). This variant is not present in population databases (gnomAD no frequency).